The following is an entry in ClinVar:

ClinVar aggregate classification (germline): Uncertain significance (1 of 4 stars; one submission).

Conditions:
Multiple gastrointestinal atresias. Also called: Multiple intestinal atresia; FAMILIAL INTESTINAL POLYATRESIA SYNDROME. Identifiers: Orphanet 2300, MedGen C0220744, MONDO:0009465.

Allele frequency attached by ClinVar (database versions not stated): gnomAD exomes 0.00001.
gnomAD v4.1: 13 of 1,606,700 alleles (0.00081%); highest among the groups gnomAD compares: Non-Finnish European, 0.0011%; no homozygotes.

Submission:

Labcorp Genetics (formerly Invitae), Labcorp
Classification: Uncertain significance for Multiple gastrointestinal atresias. Last evaluated: 2022-06-17. Review status: criteria provided, single submitter. Criteria: Invitae Variant Classification Sherloc (09022015). Collection method: clinical testing. Allele origin: germline.
Comment: This sequence change replaces serine, which is neutral and polar, with proline, which is neutral and non-polar, at codon 461 of the TTC7A protein (p.Ser461Pro). This variant is present in population databases (no rsID available, gnomAD 0.0009%). In summary, the available evidence is currently insufficient to determine the role of this variant in disease. Therefore, it has been classified as a Variant of Uncertain Significance. Algorithms developed to predict the effect of missense changes on protein structure and function output the following: SIFT: "Tolerated"; PolyPhen-2: "Benign"; Align-GVGD: "Class C0". The proline amino acid residue is found in multiple mammalian species, which suggests that this missense change does not adversely affect protein function. This variant has not been reported in the literature in individuals affected with TTC7A-related conditions.

NM_020458.4(TTC7A):c.1381T>C (p.Ser461Pro)

Gene: TTC7A (tetratricopeptide repeat domain 7A; plus strand). Cytogenetic location: 2p21.
Variant type: single nucleotide variant.
Coding change: c.1381T>C on transcript NM_020458.4 (MANE Select); coding-DNA position 1381, T replaced by C.
Protein change: p.Ser461Pro; replaces serine 461 with proline.
Molecular consequence: missense variant.
Genome position (GRCh38, 1-based): chr2:47,011,424, T>C. VCF-style: chr2-47011424-T-C. GRCh37 (hg19) VCF-style: chr2-47238563-T-C.
Other names: c.1381T>C, p.Ser461Pro (NM_001288951.2); c.1279T>C, p.Ser427Pro (NM_001288953.2); c.319T>C, p.Ser107Pro (NM_001288955.2); short protein forms S461P, S427P, S107P.
Identifiers: ClinVar variation 2092125 (VCV002092125.4), dbSNP rs1416197392, ClinGen allele CA346715464.
Genomic context (GRCh38, chr2:47,011,424, plus strand): 5'-GTGAAGTTGCGGCCCTCGGACCCCACCGTGCCCCTGATGGCCGCGAAGGTCTGCATCGGG[T>C]CCCTTCGCTGGGTGAGTGAGCTGTGAGGGCAGGTCCCAGAGGCCTCCTGTGGGGAGGGTG-3'
Protein context (NP_065191.2, residues 451-471): PLMAAKVCIG[Ser461Pro]LRWLEEAEHF